The following is an entry in ClinVar:

NM_001267550.2(TTN):c.50255C>G (p.Pro16752Arg)

Genes: TTN (titin; minus strand), TTN-AS1 (TTN antisense RNA 1; plus strand). Cytogenetic location: 2q31.2.
Variant type: single nucleotide variant.
Coding change: c.50255C>G on transcript NM_001267550.2 (MANE Select); coding-DNA position 50255, C replaced by G.
Protein change: p.Pro16752Arg; replaces proline 16752 with arginine.
Molecular consequence: missense variant.
Genome position (GRCh38, 1-based): chr2:178,612,156, G>C on the plus strand (C>G on the coding strand, the complement: TTN is on the minus strand). VCF-style: chr2-178612156-G-C. GRCh37 (hg19) VCF-style: chr2-179476883-G-C.
Other names: c.45332C>G, p.Pro15111Arg (NM_001256850.1); c.23060C>G, p.Pro7687Arg (NM_003319.4); c.42551C>G, p.Pro14184Arg (NM_133378.4); c.23435C>G, p.Pro7812Arg (NM_133432.3); c.23636C>G, p.Pro7879Arg (NM_133437.4); short protein forms P14184R, P16752R, P7812R, P7879R, P15111R, P7687R.
Identifiers: ClinVar variation 3393770 (VCV003393770.1).

ClinVar aggregate classification (germline): Uncertain significance (1 of 4 stars; one submission).

gnomAD v4.1: 25 of 1,608,584 alleles (0.0016%); highest among the groups gnomAD compares: Non-Finnish European, 0.0021%; no homozygotes.

Submission:

GeneDx
Classification: Uncertain significance. Last evaluated: 2024-07-03. Review status: criteria provided, single submitter. Criteria: GeneDx Variant Classification Process June 2021. Collection method: clinical testing. Allele origin: germline. Affected: yes.
Comment: Not observed at significant frequency in large population cohorts (gnomAD); Missense variant in a gene in which most reported pathogenic variants are truncating/loss of function; Has not been previously published as pathogenic or benign to our knowledge